The following is an entry in ClinVar:

NM_001376.5(DYNC1H1):c.5195C>G (p.Ser1732Ter)

Gene: DYNC1H1 (dynein cytoplasmic 1 heavy chain 1; plus strand). Cytogenetic location: 14q32.31.
Variant type: single nucleotide variant.
Coding change: c.5195C>G on transcript NM_001376.5 (MANE Select); coding-DNA position 5195, C replaced by G.
Protein change: p.Ser1732Ter; replaces serine 1732 with a stop codon.
Molecular consequence: nonsense.
Genome position (GRCh38, 1-based): chr14:102,004,907, C>G. VCF-style: chr14-102004907-C-G. GRCh37 (hg19) VCF-style: chr14-102471244-C-G.
Other names: short protein forms S1732*.
Identifiers: ClinVar variation 2726808 (VCV002726808.3), dbSNP rs2503739139, ClinGen allele CA391045627.

ClinVar aggregate classification (germline): Uncertain significance (1 of 4 stars; one submission).

Conditions:
Charcot-Marie-Tooth disease axonal type 2O. Also called: CHARCOT-MARIE-TOOTH NEUROPATHY, AXONAL, TYPE 2O; CHARCOT-MARIE-TOOTH DISEASE, AXONAL, AUTOSOMAL DOMINANT, TYPE 2O; Charcot-Marie-Tooth Neuropathy Type 2O; Charcot-Marie-Tooth disease, axonal, type 20. Identifiers: Orphanet 284232, MedGen C3280220, MONDO:0013644, OMIM 614228.

Submission:

Labcorp Genetics (formerly Invitae), Labcorp
Classification: Uncertain significance for Charcot-Marie-Tooth disease axonal type 2O. Last evaluated: 2023-06-23. Review status: criteria provided, single submitter. Criteria: Invitae Variant Classification Sherloc (09022015). Collection method: clinical testing. Allele origin: germline.
Comment: This sequence change creates a premature translational stop signal (p.Ser1732*) in the DYNC1H1 gene. It is expected to result in an absent or disrupted protein product. However, the current clinical and genetic evidence is not sufficient to establish whether loss-of-function variants in DYNC1H1 cause disease. This variant is not present in population databases (gnomAD no frequency). This variant has not been reported in the literature in individuals affected with DYNC1H1-related conditions. In summary, the available evidence is currently insufficient to determine the role of this variant in disease. Therefore, it has been classified as a Variant of Uncertain Significance.